The following is an entry in ClinVar:

NM_001148.6(ANK2):c.7307C>T (p.Ser2436Phe)

Genes: ANK2 (ankyrin 2; plus strand), LOC126807137 (CDK7 strongly-dependent group 2 enhancer GRCh37_chr4:114276560-114277759; plus strand). Cytogenetic location: 4q26.
Variant type: single nucleotide variant.
Coding change: c.7307C>T on transcript NM_001148.6 (MANE Select); coding-DNA position 7307, C replaced by T.
Protein change: p.Ser2436Phe; replaces serine 2436 with phenylalanine.
Molecular consequence: missense variant. On other transcripts: intron variant (68).
Genome position (GRCh38, 1-based): chr4:113,355,925, C>T. VCF-style: chr4-113355925-C-T. GRCh37 (hg19) VCF-style: chr4-114277081-C-T.
Other names: c.7073C>T, p.Ser2358Phe (NM_001386142.1); c.3707C>T, p.Ser1236Phe (NM_001386166.1); c.7448C>T, p.Ser2483Phe (NM_001386174.1); c.7424C>T, p.Ser2475Phe (NM_001386175.1); c.4412-4898C>T (NM_001386186.2, NM_001386148.2); c.4214-4898C>T (NM_001354269.3); c.4292-4898C>T (NM_001386187.2); c.4253-4898C>T (NM_001386147.1); and 35 more; short protein forms S2436F, S1236F, S2358F, S2475F, S2483F.
Identifiers: ClinVar variation 578448 (VCV000578448.3), dbSNP rs761246790, ClinGen allele CA3051572.

ClinVar aggregate classification (germline): Uncertain significance. Review status: criteria provided, multiple submitters, no conflicts (2 of 4 stars). 3 submissions from 3 submitters: Uncertain significance (3). Last evaluated 2023-06-17.

Conditions:
Cardiovascular phenotype. Identifiers: MedGen CN230736.
Cardiac arrhythmia, ankyrin-B-related. Also called: ANKYRIN-B SYNDROME. Identifiers: Orphanet 101016, Orphanet 768, MedGen C1970119, MONDO:0010958, OMIM 600919.
Long QT syndrome (LQTS). Identifiers: MedGen C0023976, MeSH D008133, MONDO:0002442. Disease mechanism: loss of function. Inheritance: Various modes of inheritance.

Allele frequency attached by ClinVar (database versions not stated): gnomAD exomes below 0.00001 and 0.00001; ExAC 0.00001.
gnomAD v4.1: 2 of 1,614,102 alleles (0.00012%); highest among the groups gnomAD compares: Non-Finnish European, 0.00017%; no homozygotes.

Submissions (3):

Ambry Genetics
Classification: Uncertain significance for Cardiovascular phenotype. Last evaluated: 2023-06-17. Review status: criteria provided, single submitter. Criteria: Ambry General Variant Classification Scheme_2022. Collection method: clinical testing. Allele origin: germline.
Comment: The p.S2436F variant (also known as c.7307C>T), located in coding exon 38 of the ANK2 gene, results from a C to T substitution at nucleotide position 7307. The serine at codon 2436 is replaced by phenylalanine, an amino acid with highly dissimilar properties. This amino acid position is conserved. In addition, the in silico prediction for this alteration is inconclusive. Since supporting evidence is limited at this time, the clinical significance of this alteration remains unclear.

Fulgent Genetics
Classification: Uncertain significance for Cardiac arrhythmia, ankyrin-B-related. Last evaluated: 2021-10-04. Review status: criteria provided, single submitter. Criteria: ACMG Guidelines, 2015. Collection method: clinical testing. Allele origin: unknown.

Labcorp Genetics (formerly Invitae), Labcorp
Classification: Uncertain significance for Long QT syndrome. Last evaluated: 2018-04-23. Review status: criteria provided, single submitter. Criteria: Invitae Variant Classification Sherloc (09022015). Collection method: clinical testing. Allele origin: germline.
Comment: This sequence change replaces serine with phenylalanine at codon 2436 of the ANK2 protein (p.Ser2436Phe). The serine residue is moderately conserved and there is a large physicochemical difference between serine and phenylalanine. This variant is present in population databases (rs761246790, ExAC 0.001%). This variant has not been reported in the literature in individuals with ANK2-related disease. Algorithms developed to predict the effect of missense changes on protein structure and function do not agree on the potential impact of this missense change (SIFT: "Deleterious"; PolyPhen-2: "Probably Damaging"; Align-GVGD: "Class C0"). In summary, the available evidence is currently insufficient to determine the role of this variant in disease. Therefore, it has been classified as a Variant of Uncertain Significance.